The following is an entry in ClinVar:

NM_053025.4(MYLK):c.2481C>G (p.Ser827Arg)

Gene: MYLK (myosin light chain kinase; minus strand). Cytogenetic location: 3q21.1.
Variant type: single nucleotide variant.
Coding change: c.2481C>G on transcript NM_053025.4 (MANE Select); coding-DNA position 2481, C replaced by G.
Protein change: p.Ser827Arg; replaces serine 827 with arginine.
Molecular consequence: missense variant.
Genome position (GRCh38, 1-based): chr3:123,700,987, G>C on the plus strand (C>G on the coding strand, the complement: MYLK is on the minus strand). VCF-style: chr3-123700987-G-C. GRCh37 (hg19) VCF-style: chr3-123419834-G-C.
Other names: c.1953C>G, p.Ser651Arg (NM_001321309.2); c.2274C>G, p.Ser758Arg (NM_053026.4, NM_053028.4); c.2481C>G, p.Ser827Arg (NM_053027.4); short protein forms S827R, S651R, S758R.
Identifiers: ClinVar variation 429232 (VCV000429232.13), dbSNP rs1131691270, ClinGen allele CA354232571.
Genomic context (GRCh38, chr3:123,700,987, plus strand): 5'-CCCATAGCGGTCACTACCACCACCATCAGCACCAACTCCTCCACCACAGAGGTCCTCGCA[G>C]CTGGCAGGCTCCCTCCCCCTGCAACCAGTGTAGGGAAAAAGGAAAGTAGCAGGAGGAAAA-3'
Protein context (NP_444253.3, residues 817-837): RALPRGREPA[Ser827Arg]CEDLCGGGVG

ClinVar aggregate classification (germline): Uncertain significance. Review status: criteria provided, multiple submitters, no conflicts (2 of 4 stars). 3 submissions from 3 submitters: Uncertain significance (3). Last evaluated 2024-06-19.

Conditions:
Megacystis-microcolon-intestinal hypoperistalsis syndrome 1. Identifiers: MedGen C5542316, MONDO:0100354, OMIM 249210.
Aortic aneurysm, familial thoracic 7 (AAT7). Also called: AORTIC DISSECTION, FAMILIAL, WITH OR WITHOUT AORTIC ANEURYSM. Identifiers: MedGen C3151077, MONDO:0013418, OMIM 613780.

Allele frequency attached by ClinVar (database versions not stated): TOPMed below 0.00001; gnomAD 0.00001.
gnomAD v4.1: 5 of 1,605,886 alleles (0.00031%); highest among the groups gnomAD compares: Non-Finnish European, 0.00042%; no homozygotes.

Submissions (3):

Labcorp Genetics (formerly Invitae), Labcorp
Classification: Uncertain significance for Aortic aneurysm, familial thoracic 7. Last evaluated: 2024-06-19. Review status: criteria provided, single submitter. Criteria: Invitae Variant Classification Sherloc (09022015). Collection method: clinical testing. Allele origin: germline.
Comment: This sequence change replaces serine, which is neutral and polar, with arginine, which is basic and polar, at codon 827 of the MYLK protein (p.Ser827Arg). This variant is not present in population databases (gnomAD no frequency). This variant has not been reported in the literature in individuals affected with MYLK-related conditions. ClinVar contains an entry for this variant (Variation ID: 429232). Advanced modeling of protein sequence and biophysical properties (such as structural, functional, and spatial information, amino acid conservation, physicochemical variation, residue mobility, and thermodynamic stability) performed at Invitae indicates that this missense variant is not expected to disrupt MYLK protein function with a negative predictive value of 80%. In summary, the available evidence is currently insufficient to determine the role of this variant in disease. Therefore, it has been classified as a Variant of Uncertain Significance.

GeneDx
Classification: Uncertain significance. Last evaluated: 2023-09-19. Review status: criteria provided, single submitter. Criteria: GeneDx Variant Classification Process June 2021. Collection method: clinical testing. Allele origin: germline. Affected: yes.
Comment: Has not been previously published as pathogenic or benign to our knowledge; Not observed at significant frequency in large population cohorts (gnomAD); In silico analysis supports that this missense variant does not alter protein structure/function

Fulgent Genetics
Classification: Uncertain significance for Megacystis-microcolon-intestinal hypoperistalsis syndrome 1; Aortic aneurysm, familial thoracic 7. Last evaluated: 2021-08-11. Review status: criteria provided, single submitter. Criteria: ACMG Guidelines, 2015. Collection method: clinical testing. Allele origin: unknown.